The following is an entry in ClinVar:

NM_032119.4(ADGRV1):c.6044A>T (p.Tyr2015Phe)

Gene: ADGRV1 (adhesion G protein-coupled receptor V1; plus strand). Cytogenetic location: 5q14.3.
Variant type: single nucleotide variant.
Coding change: c.6044A>T on transcript NM_032119.4 (MANE Select); coding-DNA position 6044, A replaced by T.
Protein change: p.Tyr2015Phe; replaces tyrosine 2015 with phenylalanine.
Molecular consequence: missense variant. On other transcripts: non-coding transcript variant (1).
Genome position (GRCh38, 1-based): chr5:90,683,965, A>T. VCF-style: chr5-90683965-A-T. GRCh37 (hg19) VCF-style: chr5-89979782-A-T.
Other names: short protein forms Y2015F.
Identifiers: ClinVar variation 935715 (VCV000935715.10), dbSNP rs766508393, ClinGen allele CA3339699.

ClinVar aggregate classification (germline): Conflicting classifications of pathogenicity. Review status: criteria provided, conflicting classifications (1 of 4 stars). 3 submissions from 3 submitters: Uncertain significance (2); Likely benign (1). Last evaluated 2025-12-30.

Allele frequency attached by ClinVar (database versions not stated): gnomAD 0.00001; gnomAD exomes 0.00002; TOPMed 0.00005.
gnomAD v4.1: 10 of 1,613,846 alleles (0.00062%); highest among the groups gnomAD compares: Admixed American, 0.0083%; no homozygotes.

Submissions (3):

Labcorp Genetics (formerly Invitae), Labcorp
Classification: Likely benign. Last evaluated: 2025-12-30. Review status: criteria provided, single submitter. Criteria: Invitae Variant Classification Sherloc (09022015). Collection method: clinical testing. Allele origin: germline.

GeneDx
Classification: Uncertain significance. Last evaluated: 2025-05-21. Review status: criteria provided, single submitter. Criteria: GeneDx Variant Classification Process June 2021. Collection method: clinical testing. Allele origin: germline.
Comment: Reported in cohort of patients with syndromic or non-syndromic inherited retinal dystrophies (PMID: 32483926); In silico analysis supports that this missense variant has a deleterious effect on protein structure/function; This variant is associated with the following publications: (PMID: 32483926)

Blueprint Genetics
Classification: Uncertain significance. Last evaluated: 2022-08-19. Review status: criteria provided, single submitter. Criteria: ACMG Guidelines, 2015. Collection method: clinical testing. Allele origin: germline.